The following is an entry in ClinVar:

NM_030632.3(ASXL3):c.3120C>G (p.Ser1040Arg)

Gene: ASXL3 (ASXL transcriptional regulator 3; plus strand). Cytogenetic location: 18q12.1.
Variant type: single nucleotide variant.
Coding change: c.3120C>G on transcript NM_030632.3 (MANE Select); coding-DNA position 3120, C replaced by G.
Protein change: p.Ser1040Arg; replaces serine 1040 with arginine.
Molecular consequence: missense variant.
Genome position (GRCh38, 1-based): chr18:33,742,968, C>G. VCF-style: chr18-33742968-C-G. GRCh37 (hg19) VCF-style: chr18-31322932-C-G.
Other names: short protein forms S1040R.
Identifiers: ClinVar variation 2648646 (VCV002648646.24), dbSNP rs753368206, ClinGen allele CA297792801.

ClinVar aggregate classification (germline): Likely benign (1 of 4 stars; one submission).

gnomAD v4.1: 28 of 1,613,902 alleles (0.0017%); highest among the groups gnomAD compares: Non-Finnish European, 0.0022%; no homozygotes.

Submission:

CeGaT Center for Human Genetics Tuebingen
Classification: Likely benign. Last evaluated: 2022-12-01. Review status: criteria provided, single submitter. Criteria: CeGaT Center For Human Genetics Tuebingen Variant Classification Criteria Version 2. Collection method: clinical testing. Allele origin: germline. Affected: yes. Observed: 1 variant allele.
Comment: ASXL3: BP4